The following is an entry in ClinVar:

NM_001813.3(CENPE):c.6985G>C (p.Glu2329Gln)

Gene: CENPE (centromere protein E; minus strand). Cytogenetic location: 4q24.
Variant type: single nucleotide variant.
Coding change: c.6985G>C on transcript NM_001813.3 (MANE Select); coding-DNA position 6985, G replaced by C.
Protein change: p.Glu2329Gln; replaces glutamic acid 2329 with glutamine.
Molecular consequence: missense variant.
Genome position (GRCh38, 1-based): chr4:103,123,029, C>G on the plus strand (G>C on the coding strand, the complement: CENPE is on the minus strand). VCF-style: chr4-103123029-C-G. GRCh37 (hg19) VCF-style: chr4-104044186-C-G.
Other names: c.6622G>C, p.Glu2208Gln (NM_001286734.2); short protein forms E2208Q, E2329Q.
Identifiers: ClinVar variation 1315181 (VCV001315181.5), dbSNP rs373965211, ClinGen allele CA3029250.

ClinVar aggregate classification (germline): Uncertain significance. Review status: criteria provided, multiple submitters, no conflicts (2 of 4 stars). 2 submissions from 2 submitters: Uncertain significance (2). Last evaluated 2025-10-17.

Allele frequency attached by ClinVar (database versions not stated): TOPMed 0.00005; ESP Exome Variant Server 0.00015; gnomAD exomes 0.00005 and 0.00003; gnomAD 0.00006; ExAC 0.00002.
gnomAD v4.1: 88 of 1,613,748 alleles (0.0055%); highest among the groups gnomAD compares: Non-Finnish European, 0.0071%; no homozygotes.

Submissions (2):

Ambry Genetics
Classification: Uncertain significance. Last evaluated: 2025-10-17. Review status: criteria provided, single submitter. Criteria: Ambry Variant Classification Scheme 2023. Collection method: clinical testing. Allele origin: germline.

GeneDx
Classification: Uncertain significance. Last evaluated: 2020-03-13. Review status: criteria provided, single submitter. Criteria: GeneDx Variant Classification Process June 2021. Collection method: clinical testing. Allele origin: germline. Affected: yes.
Comment: In silico analysis supports that this missense variant does not alter protein structure/function; Has not been previously published as pathogenic or benign to our knowledge